The following is an entry in ClinVar:

ClinVar aggregate classification (germline): Benign. Review status: criteria provided, single submitter (1 of 4 stars). 2 submissions from 2 submitters: Benign (1). 1 of the submissions does not count toward it.

Conditions:
Permanent neonatal diabetes mellitus (PNDM). Identifiers: Orphanet 99885, MedGen C1833104, MONDO:0100164, MONDO:0011643. Disease mechanism: gain of function.
Transitory neonatal diabetes mellitus. Also called: Transient neonatal diabetes mellitus. Identifiers: MedGen C0342273, MONDO:0020525, HP:0008255.

Submissions (2):

Clinical Genomics, Uppaluri K&H Personalized Medicine Clinic
Classification: Benign for Transitory neonatal diabetes mellitus. Review status: criteria provided, single submitter. Criteria: K & H Uppaluri Personalized Medicine Clinic Variant Classification & Assertion Criteria_Updated V.1. Collection method: research. Allele origin: somatic. Inheritance: Autosomal dominant inheritance. Affected: yes.
Comment: Mutations in KCNJ11 gene can cause decreased production and secretion of insulin. This can lead to MODY which is responsive to oral sulfonylureas. This particular variant (rs193929337) is also associated with better response to sulfonylureas in neonatal diabetes mellitus cases.

GeneReviews
No classification provided. Condition: Permanent neonatal diabetes mellitus. Review status: no classification provided. Collection method: literature only. Allele origin: unknown. Not counted in ClinVar's aggregate classification.

Literature cited by the submitters: PubMed 24150202 (cited by Clinical Genomics, Uppaluri K&H Personalized Medicine Clinic); PubMed 28083968 (cited by Clinical Genomics, Uppaluri K&H Personalized Medicine Clinic); PubMed 20301620 (cited by GeneReviews); NCBI Bookshelf NBK1447 (cited by GeneReviews).

NM_000525.4(KCNJ11):c.155A>G (p.Gln52Arg)

Gene: KCNJ11 (potassium inwardly rectifying channel subfamily J member 11; minus strand). Cytogenetic location: 11p15.1.
Variant type: single nucleotide variant.
Coding change: c.155A>G on transcript NM_000525.4 (MANE Select); coding-DNA position 155, A replaced by G.
Protein change: p.Gln52Arg; replaces glutamine 52 with arginine.
Molecular consequence: missense variant. On other transcripts: intron variant (3).
Genome position (GRCh38, 1-based): chr11:17,387,937, T>C on the plus strand (A>G on the coding strand, the complement: KCNJ11 is on the minus strand). VCF-style: chr11-17387937-T-C. GRCh37 (hg19) VCF-style: chr11-17409484-T-C.
Other names: c.-16-91A>G (NM_001166290.2, NM_001377297.1); c.-17+81A>G (NM_001377296.1); short protein forms Q52R.
Identifiers: ClinVar variation 21196 (VCV000021196.4), dbSNP rs193929337, ClinGen allele CA341718.